The following is an entry in ClinVar:

ClinVar aggregate classification (germline): Uncertain significance. Review status: criteria provided, multiple submitters, no conflicts (2 of 4 stars). 3 submissions from 3 submitters: Uncertain significance (3). Last evaluated 2025-07-30.

Conditions:
Long QT syndrome (LQTS). Identifiers: MedGen C0023976, MeSH D008133, MONDO:0002442. Disease mechanism: loss of function. Inheritance: Various modes of inheritance.
Cardiovascular phenotype. Identifiers: MedGen CN230736.

Allele frequency attached by ClinVar (database versions not stated): gnomAD exomes below 0.00001 and 0.00001; ExAC 0.00003.
gnomAD v4.1: 4 of 1,604,922 alleles (0.00025%); highest among the groups gnomAD compares: Non-Finnish European, 0.00034%; no homozygotes.

Submissions (3):

Labcorp Genetics (formerly Invitae), Labcorp
Classification: Uncertain significance for Long QT syndrome. Last evaluated: 2025-07-30. Review status: criteria provided, single submitter. Criteria: Invitae Variant Classification Sherloc (09022015). Collection method: clinical testing. Allele origin: germline.
Comment: This sequence change replaces threonine, which is neutral and polar, with alanine, which is neutral and non-polar, at codon 1558 of the AKAP9 protein (p.Thr1558Ala). This variant is present in population databases (rs746815931, gnomAD 0.003%). This variant has not been reported in the literature in individuals affected with AKAP9-related conditions. ClinVar contains an entry for this variant (Variation ID: 810122). An algorithm developed to predict the effect of missense changes on protein structure and function outputs the following: PolyPhen-2: "Benign". The alanine amino acid residue is found in multiple mammalian species, which suggests that this missense change does not adversely affect protein function. In summary, the available evidence is currently insufficient to determine the role of this variant in disease. Therefore, it has been classified as a Variant of Uncertain Significance.

Ambry Genetics
Classification: Uncertain significance for Cardiovascular phenotype. Last evaluated: 2022-10-04. Review status: criteria provided, single submitter. Criteria: Ambry Variant Classification Scheme 2023. Collection method: clinical testing. Allele origin: germline.

CeGaT Center for Human Genetics Tuebingen
Classification: Uncertain significance. Last evaluated: 2016-05-01. Review status: criteria provided, single submitter. Criteria: CeGaT Center For Human Genetics Tuebingen Variant Classification Criteria Version 2. Collection method: clinical testing. Allele origin: germline. Affected: yes. Observed: 1 variant allele.

NM_005751.5(AKAP9):c.4672A>G (p.Thr1558Ala)

Gene: AKAP9 (A-kinase anchoring protein 9; plus strand). Cytogenetic location: 7q21.2.
Variant type: single nucleotide variant.
Coding change: c.4672A>G on transcript NM_005751.5 (MANE Select); coding-DNA position 4672, A replaced by G.
Protein change: p.Thr1558Ala; replaces threonine 1558 with alanine.
Molecular consequence: missense variant.
Genome position (GRCh38, 1-based): chr7:92,038,752, A>G. VCF-style: chr7-92038752-A-G. GRCh37 (hg19) VCF-style: chr7-91668066-A-G.
Other names: c.4672A>G, p.Thr1558Ala (NM_147185.3); c.4672A>G (NM_005751.4); short protein forms T1558A.
Identifiers: ClinVar variation 810122 (VCV000810122.47), dbSNP rs746815931, ClinGen allele CA4336604.